The following is an entry in ClinVar:

ClinVar aggregate classification (germline): Uncertain significance. Review status: criteria provided, multiple submitters, no conflicts (2 of 4 stars). 2 submissions from 2 submitters: Uncertain significance (2). Last evaluated 2024-01-11.

Conditions:
Cardiovascular phenotype. Identifiers: MedGen CN230736.
Hypertrophic cardiomyopathy. Also called: HYPERTROPHIC MYOCARDIOPATHY. Identifiers: Orphanet 217569, MedGen C0007194, MeSH D002312, MONDO:0005045, HP:0001639.

Submissions (2):

Labcorp Genetics (formerly Invitae), Labcorp
Classification: Uncertain significance for Hypertrophic cardiomyopathy. Last evaluated: 2024-01-11. Review status: criteria provided, single submitter. Criteria: Invitae Variant Classification Sherloc (09022015). Collection method: clinical testing. Allele origin: germline.
Comment: This sequence change replaces lysine, which is basic and polar, with asparagine, which is neutral and polar, at codon 841 of the MYH7 protein (p.Lys841Asn). This variant is not present in population databases (gnomAD no frequency). This variant has not been reported in the literature in individuals affected with MYH7-related conditions. ClinVar contains an entry for this variant (Variation ID: 1792571). Advanced modeling of protein sequence and biophysical properties (such as structural, functional, and spatial information, amino acid conservation, physicochemical variation, residue mobility, and thermodynamic stability) has been performed at Invitae for this missense variant, however the output from this modeling did not meet the statistical confidence thresholds required to predict the impact of this variant on MYH7 protein function. In summary, the available evidence is currently insufficient to determine the role of this variant in disease. Therefore, it has been classified as a Variant of Uncertain Significance.

Ambry Genetics
Classification: Uncertain significance for Cardiovascular phenotype. Last evaluated: 2022-03-09. Review status: criteria provided, single submitter. Criteria: Ambry Variant Classification Scheme 2023. Collection method: clinical testing. Allele origin: germline.
Comment: The p.K841N variant (also known as c.2523G>C), located in coding exon 20 of the MYH7 gene, results from a G to C substitution at nucleotide position 2523. The lysine at codon 841 is replaced by asparagine, an amino acid with similar properties. This alteration is located in the myosin head domain, which contains a statistically significant clustering of pathogenic missense variants (Homburger JR et al. Proc Natl Acad Sci U S A, 2016 06;113:6701-6; Walsh R et al. Genet Med, 2017 02;19:192-203; Ambry internal data). This amino acid position is well conserved in available vertebrate species. In addition, this alteration is predicted to be tolerated by in silico analysis. Since supporting evidence is limited at this time, the clinical significance of this alteration remains unclear.

Literature cited by the submitters: PubMed 25132132 (cited by Ambry Genetics); PubMed 29907873 (cited by Ambry Genetics).

NM_000257.4(MYH7):c.2523G>C (p.Lys841Asn)

Genes: MYH7 (myosin heavy chain 7; minus strand), LOC126861898 (BRD4-independent group 4 enhancer GRCh37_chr14:23893609-23894808; plus strand). Cytogenetic location: 14q11.2.
Variant type: single nucleotide variant.
Coding change: c.2523G>C on transcript NM_000257.4 (MANE Select); coding-DNA position 2523, G replaced by C.
Protein change: p.Lys841Asn; replaces lysine 841 with asparagine.
Molecular consequence: missense variant.
Genome position (GRCh38, 1-based): chr14:23,424,925, C>G on the plus strand (G>C on the coding strand, the complement: MYH7 is on the minus strand). VCF-style: chr14-23424925-C-G. GRCh37 (hg19) VCF-style: chr14-23894134-C-G.
Other names: c.2523G>C, p.Lys841Asn (NM_001407004.1); short protein forms K841N.
Identifiers: ClinVar variation 1792571 (VCV001792571.5), dbSNP rs1892634440, ClinGen allele CA389048236.